The following is an entry in ClinVar:

NM_018671.5(UNC45A):c.-98G>T

Genes: UNC45A (unc-45 myosin chaperone A; plus strand), LOC130057954 (ATAC-STARR-seq lymphoblastoid silent region 6833; plus strand). Cytogenetic location: 15q26.1.
Variant type: single nucleotide variant.
Coding change: c.-98G>T on transcript NM_018671.5 (MANE Select); 98 bases upstream of the start codon, G replaced by T.
Molecular consequence: genic upstream transcript variant. On other transcripts: 5 prime UTR variant (1), intron variant (1).
Genome position (GRCh38, 1-based): chr15:90,935,227, G>T. VCF-style: chr15-90935227-G-T. GRCh37 (hg19) VCF-style: chr15-91478457-G-T.
Other names: c.-98G>T (NM_001039675.2); c.-38-60G>T (NM_001323619.1).
Identifiers: ClinVar variation 3024390 (VCV003024390.5), dbSNP rs1356232517, ClinGen allele CA717028891.

ClinVar aggregate classification (germline): Pathogenic/Likely pathogenic. Review status: criteria provided, multiple submitters, no conflicts (2 of 4 stars). 3 submissions from 3 submitters: Pathogenic (2); Likely pathogenic (1). Last evaluated 2026-01-07.

Conditions:
Osteootohepatoenteric syndrome. Identifiers: MedGen C5543557, MONDO:0859164, OMIM 619377.
Cholestasis-edema syndrome, Norwegian type. Also called: Aagenaes syndrome. Identifiers: Orphanet 1414, MedGen C0268314, MONDO:0008966, OMIM 214900.

Allele frequency attached by ClinVar (database versions not stated): gnomAD 0.00001; TOPMed 0.00003; gnomAD exomes 0.00005.
gnomAD v4.1: 54 of 1,259,216 alleles (0.0043%); highest among the groups gnomAD compares: Non-Finnish European, 0.0056%; no homozygotes.

Submissions (3):

GeneDx
Classification: Pathogenic. Last evaluated: 2026-01-07. Review status: criteria provided, single submitter. Criteria: GeneDx Variant Classification Process June 2021. Collection method: clinical testing. Allele origin: germline.
Comment: No data available from control populations to assess the frequency of this variant; Nucleotide is not conserved across species and the substitution has no predicted effect on splicing; This variant is associated with the following publications: (PMID: 39887522, 37328071)

Fulgent Genetics
Classification: Likely pathogenic for Osteootohepatoenteric syndrome. Last evaluated: 2024-06-19. Review status: criteria provided, single submitter. Criteria: ACMG Guidelines, 2015. Collection method: clinical testing. Allele origin: germline.

Institute of Human Genetics, University of Leipzig Medical Center
Classification: Pathogenic for Cholestasis-edema syndrome, Norwegian type. Last evaluated: 2024-02-01. Review status: criteria provided, single submitter. Criteria: ACMG Guidelines, 2015. Collection method: clinical testing. Allele origin: unknown. Inheritance: Autosomal recessive inheritance. Affected: yes.
Comment: Criteria applied: PS3,PM2_SUP,PM3_VSTR